The following is an entry in ClinVar:

NM_000939.4(POMC):c.756G>T (p.Thr252=)

Gene: POMC (proopiomelanocortin; minus strand). Cytogenetic location: 2p23.3.
Variant type: single nucleotide variant.
Coding change: c.756G>T on transcript NM_000939.4 (MANE Select); coding-DNA position 756, G replaced by T.
Protein change: p.Thr252=; no amino-acid change (threonine 252 retained).
Molecular consequence: synonymous variant.
Genome position (GRCh38, 1-based): chr2:25,161,129, C>A on the plus strand (G>T on the coding strand, the complement: POMC is on the minus strand). VCF-style: chr2-25161129-C-A. GRCh37 (hg19) VCF-style: chr2-25383998-C-A.
Other names: c.756G>T, p.Thr252= (NM_001035256.3, NM_001319204.2, NM_001319205.2).
Identifiers: ClinVar variation 3353925 (VCV003353925.1).

ClinVar aggregate classification (germline): Likely benign (0 of 4 stars; one submission).

Conditions:
POMC-related disorder. Also called: POMC-related disorders; POMC-related condition.

gnomAD v4.1: 11 of 1,613,622 alleles (0.00068%); highest among the groups gnomAD compares: Admixed American, 0.012%; no homozygotes.

Submission:

PreventionGenetics, part of Exact Sciences
Classification: Likely benign for POMC-related condition. Last evaluated: 2024-09-26. Review status: no assertion criteria provided. Collection method: clinical testing. Allele origin: germline.
Comment: This variant is classified as likely benign based on ACMG/AMP sequence variant interpretation guidelines (Richards et al. 2015 PMID: 25741868, with internal and published modifications).